The following is an entry in ClinVar:

NM_000135.4(FANCA):c.2689C>A (p.His897Asn)

Genes: FANCA (FA complementation group A; minus strand), LOC130059837 (ATAC-STARR-seq lymphoblastoid active region 11420; plus strand). Cytogenetic location: 16q24.3.
Variant type: single nucleotide variant.
Coding change: c.2689C>A on transcript NM_000135.4 (MANE Select); coding-DNA position 2689, C replaced by A.
Protein change: p.His897Asn; replaces histidine 897 with asparagine.
Molecular consequence: missense variant.
Genome position (GRCh38, 1-based): chr16:89,764,979, G>T on the plus strand (C>A on the coding strand, the complement: FANCA is on the minus strand). VCF-style: chr16-89764979-G-T. GRCh37 (hg19) VCF-style: chr16-89831387-G-T.
Other names: c.2689C>A, p.His897Asn (NM_001286167.3); short protein forms H897N.
Identifiers: ClinVar variation 4254209 (VCV004254209.1).

ClinVar aggregate classification (germline): Uncertain significance (1 of 4 stars; one submission).

Conditions:
Inborn genetic diseases. Identifiers: MedGen C0950123, MeSH D030342.

Submission:

Ambry Genetics
Classification: Uncertain significance for Inborn genetic diseases. Last evaluated: 2025-07-17. Review status: criteria provided, single submitter. Criteria: Ambry Variant Classification Scheme 2023. Collection method: clinical testing. Allele origin: germline.
Comment: The p.H897N variant (also known as c.2689C>A), located in coding exon 28 of the FANCA gene, results from a C to A substitution at nucleotide position 2689. The histidine at codon 897 is replaced by asparagine, an amino acid with similar properties. This amino acid position is conserved. In addition, this alteration is predicted to be tolerated by in silico analysis. Based on the available evidence, the clinical significance of this variant remains unclear.